The following is an entry in ClinVar:

NM_000245.4(MET):c.3029A>T (p.Asp1010Val)

Gene: MET (MET proto-oncogene, receptor tyrosine kinase; plus strand). Cytogenetic location: 7q31.2.
Variant type: single nucleotide variant.
Coding change: c.3029A>T on transcript NM_000245.4 (MANE Select); coding-DNA position 3029, A replaced by T.
Protein change: p.Asp1010Val; replaces aspartic acid 1010 with valine.
Molecular consequence: missense variant.
Genome position (GRCh38, 1-based): chr7:116,774,881, A>T. VCF-style: chr7-116774881-A-T. GRCh37 (hg19) VCF-style: chr7-116414935-A-T.
Other names: c.3083A>T, p.Asp1028Val (NM_001127500.3); c.1739A>T, p.Asp580Val (NM_001324402.2); short protein forms D1010V, D1028V, D580V.
Identifiers: ClinVar variation 5024339 (VCV005024339.1).

ClinVar aggregate classification (germline): Uncertain significance (1 of 4 stars; one submission).

Conditions:
Hereditary cancer-predisposing syndrome. Also called: Neoplastic Syndromes, Hereditary; Tumor predisposition; Hereditary neoplastic syndrome; Hereditary Cancer Syndrome. Identifiers: Orphanet 140162, MedGen C0027672, MeSH D009386, MONDO:0015356.

gnomAD v4.1: 1 of 1,613,410 alleles (0.000062%); highest among the groups gnomAD compares: African/African-American, 0.0013%; no homozygotes.

Submission:

Ambry Genetics
Classification: Uncertain significance for Hereditary cancer-predisposing syndrome. Last evaluated: 2026-07-02. Review status: criteria provided, single submitter. Criteria: Ambry Variant Classification Scheme 2023. Collection method: clinical testing. Allele origin: germline.
Comment: The p.D1010V variant (also known as c.3029A>T) is located in coding exon 14 of the MET gene. The aspartic acid at codon 1010 is replaced by valine, an amino acid with highly dissimilar properties. This change occurs in the first base pair of coding exon 14. This amino acid position is conserved. In addition, the in silico prediction for this alteration is inconclusive. Based on the available evidence, the clinical significance of this variant remains unclear.